The following is an entry in ClinVar:

NM_198253.3(TERT):c.1211C>G (p.Pro404Arg)

Gene: TERT (telomerase reverse transcriptase; minus strand). Cytogenetic location: 5p15.33.
Variant type: single nucleotide variant.
Coding change: c.1211C>G on transcript NM_198253.3 (MANE Select); coding-DNA position 1211, C replaced by G.
Protein change: p.Pro404Arg; replaces proline 404 with arginine.
Molecular consequence: missense variant. On other transcripts: non-coding transcript variant (2).
Genome position (GRCh38, 1-based): chr5:1,293,675, G>C on the plus strand (C>G on the coding strand, the complement: TERT is on the minus strand). VCF-style: chr5-1293675-G-C. GRCh37 (hg19) VCF-style: chr5-1293790-G-C.
Other names: c.1211C>G, p.Pro404Arg (NM_001193376.3); short protein forms P404R.
Identifiers: ClinVar variation 410686 (VCV000410686.51), dbSNP rs1060503008, ClinGen allele CA16611728.

ClinVar aggregate classification (germline): Uncertain significance. Review status: criteria provided, multiple submitters, no conflicts (2 of 4 stars). 4 submissions from 4 submitters: Uncertain significance (4). Last evaluated 2025-05-14.

Conditions:
Dyskeratosis congenita. Identifiers: Orphanet 1775, MedGen C0265965, MONDO:0015780.
Dyskeratosis congenita, autosomal dominant 2. Identifiers: MedGen C3151443, MONDO:0013521, OMIM 613989.
Idiopathic Pulmonary Fibrosis. Also called: Idiopathic fibrosing alveolitis, chronic form; idiopathic fibrosing alveolitis. Identifiers: Orphanet 2032, MedGen C1800706, MeSH D054990, MONDO:0800504.

Allele frequency attached by ClinVar (database versions not stated): TOPMed below 0.00001.

Submissions (4):

Ambry Genetics
Classification: Uncertain significance for Dyskeratosis congenita. Last evaluated: 2025-05-14. Review status: criteria provided, single submitter. Criteria: Ambry Variant Classification Scheme 2023. Collection method: clinical testing. Allele origin: germline.
Comment: The p.P404R variant (also known as c.1211C>G), located in coding exon 2 of the TERT gene, results from a C to G substitution at nucleotide position 1211. The proline at codon 404 is replaced by arginine, an amino acid with dissimilar properties. This amino acid position is well conserved in available vertebrate species. In addition, the in silico prediction for this alteration is inconclusive. Based on the available evidence, the clinical significance of this variant remains unclear.

Labcorp Genetics (formerly Invitae), Labcorp
Classification: Uncertain significance for Dyskeratosis congenita, autosomal dominant 2; Idiopathic Pulmonary Fibrosis. Last evaluated: 2024-12-04. Review status: criteria provided, single submitter. Criteria: Invitae Variant Classification Sherloc (09022015). Collection method: clinical testing. Allele origin: germline.
Comment: This sequence change replaces proline, which is neutral and non-polar, with arginine, which is basic and polar, at codon 404 of the TERT protein (p.Pro404Arg). This variant is not present in population databases (gnomAD no frequency). This missense change has been observed in individual(s) with clinical features of dyskeratosis congenita (PMID: 30523342). ClinVar contains an entry for this variant (Variation ID: 410686). Invitae Evidence Modeling of protein sequence and biophysical properties (such as structural, functional, and spatial information, amino acid conservation, physicochemical variation, residue mobility, and thermodynamic stability) indicates that this missense variant is expected to disrupt TERT protein function with a positive predictive value of 95%. In summary, the available evidence is currently insufficient to determine the role of this variant in disease. Therefore, it has been classified as a Variant of Uncertain Significance.

Baylor Genetics
Classification: Uncertain significance for Dyskeratosis congenita, autosomal dominant 2. Last evaluated: 2024-01-20. Review status: criteria provided, single submitter. Criteria: ACMG Guidelines, 2015. Collection method: clinical testing. Allele origin: unknown.

Breakthrough Genomics
Classification: Uncertain significance. Review status: criteria provided, single submitter. Criteria: ACMG Guidelines, 2015. Collection method: not provided. Allele origin: germline. Inheritance: Autosomal recessive inheritance. Affected: yes.

Literature cited by the submitters: PubMed 30523342 (cited by Labcorp Genetics (formerly Invitae), Labcorp).